The following is an entry in ClinVar:

NM_005378.6(MYCN):c.1157A>G (p.His386Arg)

Gene: MYCN (MYCN proto-oncogene, bHLH transcription factor; plus strand). Cytogenetic location: 2p24.3.
Variant type: single nucleotide variant.
Coding change: c.1157A>G on transcript NM_005378.6 (MANE Select); coding-DNA position 1157, A replaced by G.
Protein change: p.His386Arg; replaces histidine 386 with arginine.
Molecular consequence: missense variant. On other transcripts: 3 prime UTR variant (1).
Genome position (GRCh38, 1-based): chr2:15,945,859, A>G. VCF-style: chr2-15945859-A-G. GRCh37 (hg19) VCF-style: chr2-16085981-A-G.
Other names: c.1157A>G, p.His386Arg (NM_001293228.2); c.524A>G, p.His175Arg (NM_001293231.2); c.*1092A>G (NM_001293233.2); short protein forms H175R, H386R.
Identifiers: ClinVar variation 4686958 (VCV004686958.1).

ClinVar aggregate classification (germline): Uncertain significance (1 of 4 stars; one submission).

Submission:

GeneDx
Classification: Uncertain significance. Last evaluated: 2025-07-21. Review status: criteria provided, single submitter. Criteria: GeneDx Variant Classification Process June 2021. Collection method: clinical testing. Allele origin: germline. Affected: yes.
Comment: Not observed at significant frequency in large population cohorts (gnomAD); In silico analysis supports that this missense variant has a deleterious effect on protein structure/function; Has not been previously published as pathogenic or benign to our knowledge.